The following is an entry in ClinVar:

ClinVar aggregate classification (germline): Uncertain significance (1 of 4 stars; one submission).

Conditions:
Neuroblastoma, susceptibility to, 3. Also called: ALK-Related Neuroblastic Tumor Susceptibility. Identifiers: Orphanet 635, MedGen C2751681, MONDO:0013083, OMIM 613014.

Submission:

Labcorp Genetics (formerly Invitae), Labcorp
Classification: Uncertain significance for Neuroblastoma, susceptibility to, 3. Last evaluated: 2020-03-01. Review status: criteria provided, single submitter. Criteria: Invitae Variant Classification Sherloc (09022015). Collection method: clinical testing. Allele origin: germline.
Comment: In summary, the available evidence is currently insufficient to determine the role of this variant in disease. Therefore, it has been classified as a Variant of Uncertain Significance. Algorithms developed to predict the effect of missense changes on protein structure and function are either unavailable or do not agree on the potential impact of this missense change (SIFT: "Deleterious"; PolyPhen-2: "Benign"; Align-GVGD: "Class C45"). This variant has not been reported in the literature in individuals with ALK-related conditions. This variant is not present in population databases (ExAC no frequency). This sequence change replaces phenylalanine with valine at codon 1052 of the ALK protein (p.Phe1052Val). The phenylalanine residue is highly conserved and there is a small physicochemical difference between phenylalanine and valine.

NM_004304.5(ALK):c.3154T>G (p.Phe1052Val)

Gene: ALK (ALK receptor tyrosine kinase; minus strand). Cytogenetic location: 2p23.2.
Variant type: single nucleotide variant.
Coding change: c.3154T>G on transcript NM_004304.5 (MANE Select); coding-DNA position 3154, T replaced by G.
Protein change: p.Phe1052Val; replaces phenylalanine 1052 with valine.
Molecular consequence: missense variant.
Genome position (GRCh38, 1-based): chr2:29,225,479, A>C on the plus strand (T>G on the coding strand, the complement: ALK is on the minus strand). VCF-style: chr2-29225479-A-C. GRCh37 (hg19) VCF-style: chr2-29448345-A-C.
Other names: short protein forms F1052V.
Identifiers: ClinVar variation 1000852 (VCV001000852.8), dbSNP rs1663940813, ClinGen allele CA346466785.